The following is an entry in ClinVar:

NM_001130987.2(DYSF):c.978A>T (p.Thr326=)

Gene: DYSF (dysferlin; plus strand). Cytogenetic location: 2p13.2.
Variant type: single nucleotide variant.
Coding change: c.978A>T on transcript NM_001130987.2 (MANE Select); coding-DNA position 978, A replaced by T.
Protein change: p.Thr326=; no amino-acid change (threonine 326 retained).
Molecular consequence: synonymous variant.
Genome position (GRCh38, 1-based): chr2:71,517,015, A>T. VCF-style: chr2-71517015-A-T. GRCh37 (hg19) VCF-style: chr2-71744145-A-T.
Other names: c.882A>T, p.Thr294= (NM_003494.4, NM_001130978.2, NM_001130977.2 and 1 more transcripts); c.885A>T, p.Thr295= (NM_001130986.2, NM_001130984.2, NM_001130983.2 and 1 more transcripts); c.978A>T, p.Thr326= (NM_001130985.2, NM_001130982.2); c.975A>T, p.Thr325= (NM_001130981.2, NM_001130980.2, NM_001130979.2).
Identifiers: ClinVar variation 282703 (VCV000282703.22), dbSNP rs112007817, ClinGen allele CA1705538.

ClinVar aggregate classification (germline): Conflicting classifications of pathogenicity. Review status: criteria provided, conflicting classifications (1 of 4 stars). 5 submissions from 5 submitters: Uncertain significance (1); Likely benign (2). 2 of the submissions do not count toward it. Last evaluated 2026-01-19.

Conditions:
DYSF-related disorder. Also called: DYSF-related disorders; DYSF-related condition.
Neuromuscular disease caused by qualitative or quantitative defects of dysferlin. Also called: Qualitative or quantitative defects of dysferlin; Dysferlinopathy. Identifiers: Orphanet 207073, MedGen C2931687, MONDO:0016145.
Autosomal recessive limb-girdle muscular dystrophy type 2B (LGMDR2). Also called: Limb-girdle muscular dystrophy, type 2B; MUSCULAR DYSTROPHY, LIMB-GIRDLE, TYPE 3; Limb-Girdle Muscular Dystrophy Type 2B (LGMD2B); MUSCULAR DYSTROPHY, LIMB-GIRDLE, AUTOSOMAL RECESSIVE 2. Identifiers: Orphanet 268, MedGen C1850889, MONDO:0009676, OMIM 253601.

Allele frequency attached by ClinVar (database versions not stated): gnomAD exomes 0.00007 and 0.00013; ExAC 0.00014; gnomAD 0.00043 and 0.00046; ESP Exome Variant Server 0.00054; TOPMed 0.00056; 1000 Genomes Project 0.00140; 1000 Genomes Project 30x 0.00156.
gnomAD v4.1: 196 of 1,614,200 alleles (0.012%); highest among the groups gnomAD compares: African/African-American, 0.2%; 1 homozygote.

Submissions (5):

Labcorp Genetics (formerly Invitae), Labcorp
Classification: Likely benign for Neuromuscular disease caused by qualitative or quantitative defects of dysferlin. Last evaluated: 2026-01-19. Review status: criteria provided, single submitter. Criteria: Invitae Variant Classification Sherloc (09022015). Collection method: clinical testing. Allele origin: germline.

GeneDx
Classification: Likely benign. Last evaluated: 2020-10-29. Review status: criteria provided, single submitter. Criteria: GeneDx Variant Classification Process June 2021. Collection method: clinical testing. Allele origin: germline. Affected: yes.

Eurofins Ntd Llc (ga)
Classification: Uncertain significance. Last evaluated: 2015-08-25. Review status: criteria provided, single submitter. Criteria: EGL Classification Definitions 2015. Collection method: clinical testing. Allele origin: germline. Observed: 1 variant allele, 1 heterozygote.

Natera, Inc.
Classification: Likely benign for Limb-girdle muscular dystrophy type 2B. Last evaluated: 2020-09-16. Review status: no assertion criteria provided. Collection method: clinical testing. Allele origin: germline. Not counted in ClinVar's aggregate classification.

PreventionGenetics, part of Exact Sciences
Classification: Likely benign for DYSF-related condition. Last evaluated: 2019-12-05. Review status: no assertion criteria provided. Collection method: clinical testing. Allele origin: germline. Not counted in ClinVar's aggregate classification.
Comment: This variant is classified as likely benign based on ACMG/AMP sequence variant interpretation guidelines (Richards et al. 2015 PMID: 25741868, with internal and published modifications).